The following is an entry in ClinVar:

ClinVar aggregate classification (germline): Pathogenic. Review status: criteria provided, single submitter (1 of 4 stars). 3 submissions from 2 submitters: Pathogenic (1). 2 of the submissions do not count toward it. Last evaluated 2020-11-13.

Conditions:
HEMOGLOBIN VOLGA.
HEMOGLOBIN DRENTHE.

Submissions (3):

Quest Diagnostics Nichols Institute San Juan Capistrano
Classification: Pathogenic. Last evaluated: 2020-11-13. Review status: criteria provided, single submitter. Criteria: Quest Diagnostics criteria. Collection method: clinical testing. Allele origin: unknown.
Comment: The variant has been reported as an unstable beta globin variant. Individuals heterozygous for this variant have been reported to present with hemolytic anemia (PMID 952960 (1976), 3240605 (1998), 27686852 (2016)). In addition, this variant was reported as a de novo mutation in two individuals with hemolytic anemia (PMID 24904938 (2014), 8330973 (1993)). Therefore, this variant is classified as pathogenic.

OMIM
Classification: other for HEMOGLOBIN VOLGA. Last evaluated: 2017-12-12. Review status: no assertion criteria provided. Collection method: literature only. Allele origin: germline. Not counted in ClinVar's aggregate classification.

OMIM
Classification: other for HEMOGLOBIN DRENTHE. Last evaluated: 2017-12-12. Review status: no assertion criteria provided. Collection method: literature only. Allele origin: germline. Not counted in ClinVar's aggregate classification.

Literature cited by the submitters: PubMed 3240605 (cited by Quest Diagnostics Nichols Institute San Juan Capistrano and OMIM); PubMed 952960 (cited by Quest Diagnostics Nichols Institute San Juan Capistrano and OMIM); PubMed 8330973 (cited by Quest Diagnostics Nichols Institute San Juan Capistrano); PubMed 24904938 (cited by Quest Diagnostics Nichols Institute San Juan Capistrano); PubMed 26635043 (cited by Quest Diagnostics Nichols Institute San Juan Capistrano); PubMed 27686852 (cited by Quest Diagnostics Nichols Institute San Juan Capistrano); PubMed 7419425 (cited by OMIM); PubMed 2384314 (cited by OMIM); PubMed 3395624 (cited by OMIM).

NM_000518.4(HBB):c.83C>A (p.Ala28Asp)

Genes: HBB (hemoglobin subunit beta; minus strand), LOC106099062 (HBB recombination region; plus strand), LOC107133510 (origin of replication at HBB; plus strand). Cytogenetic location: 11p15.4.
Variant type: single nucleotide variant.
Coding change: c.83C>A on transcript NM_000518.4; coding-DNA position 83, C replaced by A.
Protein change: p.Ala28Asp; replaces alanine 28 with aspartic acid.
Molecular consequence: missense variant (on NM_000518.5).
Genome position (GRCh38, 1-based): chr11:5,226,939, G>T on the plus strand (C>A on the coding strand, the complement: HBB is on the minus strand). VCF-style: chr11-5226939-G-T. GRCh37 (hg19) VCF-style: chr11-5248169-G-T.
Other names: A27D; c.83C>A, p.Ala28Asp (NM_000518.5); short protein forms A28D.
Identifiers: ClinVar variation 15386 (VCV000015386.3), dbSNP rs33954632, ClinGen allele CA125229.